The following is an entry in ClinVar:

NM_002016.2(FLG):c.4056T>A (p.Ser1352Arg)

Genes: CCDST (cervical cancer associated DHX9 suppressive transcript; plus strand), FLG (filaggrin; minus strand). Cytogenetic location: 1q21.3.
Variant type: single nucleotide variant.
Coding change: c.4056T>A on transcript NM_002016.2 (MANE Select); coding-DNA position 4056, T replaced by A.
Protein change: p.Ser1352Arg; replaces serine 1352 with arginine.
Molecular consequence: missense variant.
Genome position (GRCh38, 1-based): chr1:152,310,830, A>T on the plus strand (T>A on the coding strand, the complement: FLG is on the minus strand). VCF-style: chr1-152310830-A-T. GRCh37 (hg19) VCF-style: chr1-152283306-A-T.
Other names: short protein forms S1352R.
Identifiers: ClinVar variation 2410744 (VCV002410744.3), dbSNP rs34597212, ClinGen allele CA1106384.
Genomic context (GRCh38, chr1:152,310,830, plus strand): 5'-GCCTGAGTGTCTGGAGCTGTCTGCTGACTGCTGGTGGCGGGATCCATGTCTTTCTCCTGG[A>T]CTTGATCTTGCCTGTTCATGGGATGACACAGCCTGTCCATGAGAGGAAGACTCTGTGTGA-3'
Protein context (NP_002007.1, residues 1342-1362): AVSSHEQARS[Ser1352Arg]PGERHGSRHQ

ClinVar aggregate classification (germline): Uncertain significance. Review status: criteria provided, multiple submitters, no conflicts (2 of 4 stars). 2 submissions from 2 submitters: Uncertain significance (2). Last evaluated 2024-07-09.

Conditions:
Inborn genetic diseases. Identifiers: MedGen C0950123, MeSH D030342.

Allele frequency attached by ClinVar (database versions not stated): ExAC 0.00038; TOPMed 0.00058; gnomAD 0.00060; ESP Exome Variant Server 0.00100; gnomAD exomes 0.00109.
gnomAD v4.1: 1,739 of 1,611,216 alleles (0.11%); highest among the groups gnomAD compares: Non-Finnish European, 0.13%; 6 homozygotes.

Submissions (2):

Greenwood Genetic Center Diagnostic Laboratories, Greenwood Genetic Center
Classification: Uncertain significance. Last evaluated: 2024-07-09. Review status: criteria provided, single submitter. Criteria: ACMG Guidelines, 2015. Collection method: clinical testing. Allele origin: germline. Affected: yes.
Comment: BP4

Ambry Genetics
Classification: Uncertain significance for Inborn genetic diseases. Last evaluated: 2021-08-06. Review status: criteria provided, single submitter. Criteria: Ambry Variant Classification Scheme 2023. Collection method: clinical testing. Allele origin: germline.